The following is an entry in ClinVar:

NM_001253697.2(ERBIN):c.1997A>T (p.Asp666Val)

Gene: ERBIN (erbb2 interacting protein; plus strand). Cytogenetic location: 5q12.3.
Variant type: single nucleotide variant.
Coding change: c.1997A>T on transcript NM_001253697.2 (MANE Select); coding-DNA position 1997, A replaced by T.
Protein change: p.Asp666Val; replaces aspartic acid 666 with valine.
Molecular consequence: missense variant.
Genome position (GRCh38, 1-based): chr5:66,050,876, A>T. VCF-style: chr5-66050876-A-T. GRCh37 (hg19) VCF-style: chr5-65346704-A-T.
Other names: c.1997A>T, p.Asp666Val (NM_001006600.3, NM_001253698.2, NM_001253699.2 and 1 more transcripts); c.1985A>T, p.Asp662Val (NM_001253701.2); short protein forms D662V, D666V.
Identifiers: ClinVar variation 2696895 (VCV002696895.3), dbSNP rs2546800961, ClinGen allele CA359863908.
Genomic context (GRCh38, chr5:66,050,876, plus strand): 5'-AAGTTACACACAATAGCAATCAGAATAACAGCAATTGTTCTTCTCCATCTCGGATGTCTG[A>T]TTCAGTTTCTCTTAATACTGATAGTAGTCAAGACACCTCACTCTGCTCTCCAGTGAAACA-3'
Protein context (NP_001240626.1, residues 656-676): SNCSSPSRMS[Asp666Val]SVSLNTDSSQ

ClinVar aggregate classification (germline): Uncertain significance (1 of 4 stars; one submission).

Submission:

Labcorp Genetics (formerly Invitae), Labcorp
Classification: Uncertain significance. Last evaluated: 2023-11-20. Review status: criteria provided, single submitter. Criteria: Invitae Variant Classification Sherloc (09022015). Collection method: clinical testing. Allele origin: germline.
Comment: This sequence change replaces aspartic acid, which is acidic and polar, with valine, which is neutral and non-polar, at codon 666 of the ERBIN protein (p.Asp666Val). This variant is not present in population databases (gnomAD no frequency). This variant has not been reported in the literature in individuals affected with ERBIN-related conditions. An algorithm developed to predict the effect of missense changes on protein structure and function (PolyPhen-2) suggests that this variant is likely to be disruptive. In summary, the available evidence is currently insufficient to determine the role of this variant in disease. Therefore, it has been classified as a Variant of Uncertain Significance.